The following is an entry in ClinVar:

NM_004181.5(UCHL1):c.10A>G (p.Lys4Glu)

Gene: UCHL1 (ubiquitin C-terminal hydrolase L1; plus strand). Cytogenetic location: 4p13.
Variant type: single nucleotide variant.
Coding change: c.10A>G on transcript NM_004181.5 (MANE Select); coding-DNA position 10, A replaced by G.
Protein change: p.Lys4Glu; replaces lysine 4 with glutamic acid.
Molecular consequence: missense variant.
Genome position (GRCh38, 1-based): chr4:41,256,986, A>G. VCF-style: chr4-41256986-A-G. GRCh37 (hg19) VCF-style: chr4-41259003-A-G.
Other names: short protein forms K4E.
Identifiers: ClinVar variation 3619763 (VCV003619763.2).

ClinVar aggregate classification (germline): Uncertain significance (1 of 4 stars; one submission).

gnomAD v4.1: 2 of 1,614,216 alleles (0.00012%); highest among the groups gnomAD compares: Middle Eastern, 0.017%; no homozygotes.

Submission:

Labcorp Genetics (formerly Invitae), Labcorp
Classification: Uncertain significance. Last evaluated: 2024-04-03. Review status: criteria provided, single submitter. Criteria: Invitae Variant Classification Sherloc (09022015). Collection method: clinical testing. Allele origin: germline.
Comment: This sequence change replaces lysine, which is basic and polar, with glutamic acid, which is acidic and polar, at codon 4 of the UCHL1 protein (p.Lys4Glu). This variant is present in population databases (no rsID available, gnomAD no frequency). This variant has not been reported in the literature in individuals affected with UCHL1-related conditions. An algorithm developed to predict the effect of missense changes on protein structure and function (PolyPhen-2) suggests that this variant is likely to be tolerated. In summary, the available evidence is currently insufficient to determine the role of this variant in disease. Therefore, it has been classified as a Variant of Uncertain Significance.